The following is an entry in ClinVar:

ClinVar aggregate classification (germline): Uncertain significance (1 of 4 stars; one submission).

Conditions:
Hereditary pheochromocytoma and paraganglioma. Also called: Hereditary Paraganglioma-Pheochromocytoma Syndromes; Hereditary pheochromocytoma-paraganglioma; Hereditary paragangliomas and pheochromocytomas. Identifiers: Orphanet 29072, MedGen C4274332, MONDO:0017366.

Submission:

All of Us Research Program, National Institutes of Health
Classification: Uncertain significance for Hereditary pheochromocytoma and paraganglioma. Last evaluated: 2024-08-06. Review status: criteria provided, single submitter. Criteria: ACMG Guidelines, 2015. Collection method: clinical testing. Allele origin: germline. Inheritance: Autosomal dominant inheritance. Observed: 1 variant allele, 1 heterozygote.
Comment: This study involves interpretation of variants in research participants for the purpose of population health screening. Participant phenotype was not available at the time of variant classification. Additional details can be found in publication PMID: 35346344, PMCID: PMC8962531

NM_003000.3(SDHB):c.676T>A (p.Phe226Ile)

Gene: SDHB (succinate dehydrogenase complex iron sulfur subunit B; minus strand). Cytogenetic location: 1p36.13.
Variant type: single nucleotide variant.
Coding change: c.676T>A on transcript NM_003000.3 (MANE Select); coding-DNA position 676, T replaced by A.
Protein change: p.Phe226Ile; replaces phenylalanine 226 with isoleucine.
Molecular consequence: missense variant.
Genome position (GRCh38, 1-based): chr1:17,022,697, A>T on the plus strand (T>A on the coding strand, the complement: SDHB is on the minus strand). VCF-style: chr1-17022697-A-T. GRCh37 (hg19) VCF-style: chr1-17349192-A-T.
Other names: c.622T>A, p.Phe208Ile (NM_001407361.1); short protein forms F208I, F226I.
Identifiers: ClinVar variation 3385985 (VCV003385985.1).